The following is an entry in ClinVar:

NM_001966.4(EHHADH):c.464-20GTT[3]

Gene: EHHADH (enoyl-CoA hydratase and 3-hydroxyacyl CoA dehydrogenase; minus strand). Cytogenetic location: 3q27.2.
Variant type: Microsatellite.
Coding change: c.464-20GTT[3] on transcript NM_001966.4 (MANE Select); three copies in a row of the 3-base unit GTT starting at c.464-20; the reference has four copies in a row; one copy, 3 bases deleted.
Molecular consequence: intron variant.
Genome position (GRCh38, 1-based): chr3:185,218,249-185,218,251, AAC deleted on the plus strand (GTT on the coding strand, the reverse complement: EHHADH is on the minus strand); deleting any 3 consecutive bases within chr3:185,218,249-185,218,262 gives the same sequence; the position shown is the placement nearest the transcript's 3' end. VCF-style (leftmost placement, unchanged base first): chr3-185218248-AAAC-A. GRCh37 (hg19) VCF-style: chr3-184936036-AAAC-A.
Other names: c.176-20GTT[3] (NM_001166415.2).
Identifiers: ClinVar variation 3044741 (VCV003044741.2), dbSNP rs758834472, ClinGen allele CA2739202.
Genomic context (GRCh38, chr3:185,218,248, plus strand): 5'-AACTTTATCTAGAATGCCCAGCTTGAGTGCTTCATCTGCTAAAATACGTCTTCCTGAAAT[AAAC>A]AACAACAACAATAACAACAAATCAAAGAGCGATGTAAGATTAAAGCAAAAGCATTACTCT-3'

ClinVar aggregate classification (germline): Likely benign (0 of 4 stars; one submission).

Conditions:
EHHADH-related disorder. Also called: EHHADH-related condition.

Submission:

PreventionGenetics, part of Exact Sciences
Classification: Likely benign for EHHADH-related condition. Last evaluated: 2024-02-09. Review status: no assertion criteria provided. Collection method: clinical testing. Allele origin: germline.
Comment: This variant is classified as likely benign based on ACMG/AMP sequence variant interpretation guidelines (Richards et al. 2015 PMID: 25741868, with internal and published modifications).